The following is an entry in ClinVar:

ClinVar aggregate classification (germline): Pathogenic (1 of 4 stars; one submission).

Conditions:
Hereditary breast ovarian cancer syndrome. Also called: BRCA1- and BRCA2-Associated Hereditary Breast and Ovarian Cancer; Hereditary breast and ovarian cancer; Hereditary breast and ovarian cancer syndrome (HBOC); Breast and ovarian cancer; Hereditary breast and ovarian cancer syndrome; Hereditary breast and/or ovarian cancer syndrome. Identifiers: Orphanet 145, MedGen C0677776, MeSH D061325, MONDO:0003582. Disease mechanism: loss of function.

Submission:

Labcorp Genetics (formerly Invitae), Labcorp
Classification: Pathogenic for Hereditary breast ovarian cancer syndrome. Last evaluated: 2022-08-26. Review status: criteria provided, single submitter. Criteria: Invitae Variant Classification Sherloc (09022015). Collection method: clinical testing. Allele origin: germline.
Comment: For these reasons, this variant has been classified as Pathogenic. This variant has not been reported in the literature in individuals affected with BRCA1-related conditions. This variant is not present in population databases (gnomAD no frequency). This sequence change creates a premature translational stop signal (p.Glu1765Leufs*29) in the BRCA1 gene. It is expected to result in an absent or disrupted protein product. Loss-of-function variants in BRCA1 are known to be pathogenic (PMID: 20104584).

Literature cited by the submitters: PubMed 20104584.

NM_007294.4(BRCA1):c.5292_5293insCT (p.Glu1765fs)

Gene: BRCA1 (BRCA1 DNA repair associated; minus strand). Cytogenetic location: 17q21.31.
Variant type: Insertion.
Coding change: c.5292_5293insCT on transcript NM_007294.4 (MANE Select); coding-DNA positions 5292 to 5293, CT inserted.
Protein change: p.Glu1765fs; shifts the reading frame from glutamic acid 1765.
Molecular consequence: frameshift variant. On other transcripts: non-coding transcript variant (1).
Genome position: GRCh38 VCF-style: chr17-43051102-C-CAG. GRCh37 (hg19) VCF-style: chr17-41203119-C-CAG.
Other names: c.5028_5029insCT, p.Glu1677Leufs (NM_001407924.1, NM_001407925.1, NM_001407926.1 and 4 more transcripts); c.5025_5026insCT, p.Glu1676Leufs (NM_001407927.1, NM_001407928.1, NM_001407929.1 and 4 more transcripts); c.5022_5023insCT, p.Glu1675Leufs (NM_001407934.1, NM_001407935.1, NM_001407936.1); c.5169_5170insCT, p.Glu1724Leufs (NM_001407937.1, NM_001407938.1, NM_001407664.1 and 5 more transcripts); c.5166_5167insCT, p.Glu1723Leufs (NM_001407939.1, NM_001407940.1, NM_001407671.1 and 10 more transcripts); c.5163_5164insCT, p.Glu1722Leufs (NM_001407941.1, NM_001407681.1, NM_001407682.1 and 6 more transcripts); c.5151_5152insCT, p.Glu1718Leufs (NM_001407942.1, NM_001407692.1, NM_001407694.1 and 12 more transcripts); c.5148_5149insCT, p.Glu1717Leufs (NM_001407943.1, NM_001407944.1, NM_001407945.1 and 21 more transcripts); and 75 more; short protein forms E1786fs, E661fs, E1765fs, E1718fs.
Identifiers: ClinVar variation 2027167 (VCV002027167.4), dbSNP rs2547564061, ClinGen allele CA2580094090.
Genomic context (GRCh38, chr17:43,051,102, plus strand): 5'-GGGGTTCTCCCAGGCTCTTACCTGTGGGCATGTTGGTGAAGGGCCCATAGCAACAGATTT[C>CAG]TAGCCCCCTGAAGATCTGGAAGAAGAGAGGAAGAGAGAGGGACAGGGGAATGGAGAGAAG-3'